The following is an entry in ClinVar:

NM_006904.7(PRKDC):c.5167C>G (p.Pro1723Ala)

Gene: PRKDC (protein kinase, DNA-activated, catalytic subunit; minus strand). Cytogenetic location: 8q11.21.
Variant type: single nucleotide variant.
Coding change: c.5167C>G on transcript NM_006904.7 (MANE Select); coding-DNA position 5167, C replaced by G.
Protein change: p.Pro1723Ala; replaces proline 1723 with alanine.
Molecular consequence: missense variant.
Genome position (GRCh38, 1-based): chr8:47,879,559, G>C on the plus strand (C>G on the coding strand, the complement: PRKDC is on the minus strand). VCF-style: chr8-47879559-G-C. GRCh37 (hg19) VCF-style: chr8-48792120-G-C.
Other names: c.5167C>G, p.Pro1723Ala (NM_001081640.2); short protein forms P1723A.
Identifiers: ClinVar variation 3425327 (VCV003425327.1).

ClinVar aggregate classification (germline): Uncertain significance (1 of 4 stars; one submission).

Submission:

Ambry Genetics
Classification: Uncertain significance. Last evaluated: 2024-09-06. Review status: criteria provided, single submitter. Criteria: Ambry Variant Classification Scheme 2023. Collection method: clinical testing. Allele origin: germline.
Comment: The p.P1723A variant (also known as c.5167C>G), located in coding exon 39 of the PRKDC gene, results from a C to G substitution at nucleotide position 5167. The proline at codon 1723 is replaced by alanine, an amino acid with highly similar properties. This amino acid position is conserved. In addition, this alteration is predicted to be deleterious by in silico analysis. Based on the available evidence, the clinical significance of this variant remains unclear.